The following is an entry in ClinVar:

ClinVar aggregate classification (germline): Uncertain significance. Review status: criteria provided, multiple submitters, no conflicts (2 of 4 stars). 2 submissions from 2 submitters: Uncertain significance (2). Last evaluated 2024-08-19.

Allele frequency attached by ClinVar (database versions not stated): ExAC 0.00001; gnomAD 0.00001; gnomAD exomes 0.00001; TOPMed 0.00001.
gnomAD v4.1: 11 of 1,614,050 alleles (0.00068%); highest among the groups gnomAD compares: Admixed American, 0.0033%; no homozygotes.

Submissions (2):

Ambry Genetics
Classification: Uncertain significance. Last evaluated: 2024-08-19. Review status: criteria provided, single submitter. Criteria: Ambry Variant Classification Scheme 2023. Collection method: clinical testing. Allele origin: germline.
Comment: The p.R1202Q variant (also known as c.3605G>A), located in coding exon 33 of the IKBKAP gene, results from a G to A substitution at nucleotide position 3605. The arginine at codon 1202 is replaced by glutamine, an amino acid with highly similar properties. This amino acid position is conserved. In addition, the in silico prediction for this alteration is inconclusive. Based on the available evidence, the clinical significance of this variant remains unclear.

Labcorp Genetics (formerly Invitae), Labcorp
Classification: Uncertain significance. Last evaluated: 2021-08-31. Review status: criteria provided, single submitter. Criteria: Invitae Variant Classification Sherloc (09022015). Collection method: clinical testing. Allele origin: germline.
Comment: This sequence change replaces arginine with glutamine at codon 1202 of the ELP1 protein (p.Arg1202Gln). The arginine residue is highly conserved and there is a small physicochemical difference between arginine and glutamine. This variant is present in population databases (rs775458140, ExAC 0.009%). This variant has not been reported in the literature in individuals affected with ELP1-related conditions. Algorithms developed to predict the effect of missense changes on protein structure and function are either unavailable or do not agree on the potential impact of this missense change (SIFT: "Tolerated"; PolyPhen-2: "Probably Damaging"; Align-GVGD: "Class C0"). In summary, the available evidence is currently insufficient to determine the role of this variant in disease. Therefore, it has been classified as a Variant of Uncertain Significance.

NM_003640.5(ELP1):c.3605G>A (p.Arg1202Gln)

Gene: ELP1 (elongator acetyltransferase complex subunit 1; minus strand). Cytogenetic location: 9q31.3.
Variant type: single nucleotide variant.
Coding change: c.3605G>A on transcript NM_003640.5 (MANE Select); coding-DNA position 3605, G replaced by A.
Protein change: p.Arg1202Gln; replaces arginine 1202 with glutamine.
Molecular consequence: missense variant.
Genome position (GRCh38, 1-based): chr9:108,878,718, C>T on the plus strand (G>A on the coding strand, the complement: ELP1 is on the minus strand). VCF-style: chr9-108878718-C-T. GRCh37 (hg19) VCF-style: chr9-111640998-C-T.
Other names: c.3263G>A, p.Arg1088Gln (NM_001318360.2); c.2558G>A, p.Arg853Gln (NM_001330749.2); short protein forms R1088Q, R1202Q, R853Q.
Identifiers: ClinVar variation 2039068 (VCV002039068.2), dbSNP rs775458140, ClinGen allele CA5174230.